The following is an entry in ClinVar:

ClinVar aggregate classification (germline): Conflicting classifications of pathogenicity. Review status: criteria provided, conflicting classifications (1 of 4 stars). 3 submissions from 3 submitters: Likely pathogenic (1); Uncertain significance (2). Last evaluated 2021-03-09.

Conditions:
Propionic acidemia (PROP). Also called: GLYCINEMIA, KETOTIC; HYPERGLYCINEMIA WITH KETOACIDOSIS AND LEUKOPENIA; KETOTIC HYPERGLYCINEMIA. Identifiers: Orphanet 35, MedGen C0268579, MONDO:0011628, OMIM 606054, HP:0003571.

Allele frequency attached by ClinVar (database versions not stated): gnomAD exomes below 0.00001.
gnomAD v4.1: 1 of 1,613,000 alleles (0.000062%); highest among the groups gnomAD compares: South Asian, 0.0011%; no homozygotes.

Submissions (3):

GeneDx
Classification: Likely pathogenic. Last evaluated: 2021-03-09. Review status: criteria provided, single submitter. Criteria: GeneDx Variant Classification Process June 2021. Collection method: clinical testing. Allele origin: germline. Affected: yes.
Comment: Has not been previously published as pathogenic or benign to our knowledge; Not observed in large population cohorts (Lek et al., 2016); In silico analysis supports that this missense variant has a deleterious effect on protein structure/function

Labcorp Genetics (formerly Invitae), Labcorp
Classification: Uncertain significance for Propionic acidemia. Last evaluated: 2021-02-13. Review status: criteria provided, single submitter. Criteria: Invitae Variant Classification Sherloc (09022015). Collection method: clinical testing. Allele origin: germline.
Comment: This variant has been observed in individual(s) with propionic acidemia (Invitae). ClinVar contains an entry for this variant (Variation ID: 495792). This variant is not present in population databases (ExAC no frequency). This sequence change replaces methionine with lysine at codon 316 of the PCCA protein (p.Met316Lys). The methionine residue is highly conserved and there is a moderate physicochemical difference between methionine and lysine. Advanced modeling of protein sequence and biophysical properties (such as structural, functional, and spatial information, amino acid conservation, physicochemical variation, residue mobility, and thermodynamic stability) performed at Invitae indicates that this missense variant is expected to disrupt PCCA protein function. In summary, the available evidence is currently insufficient to determine the role of this variant in disease. Therefore, it has been classified as a Variant of Uncertain Significance.

Women's Health and Genetics/Laboratory Corporation of America, LabCorp
Classification: Uncertain significance. Last evaluated: 2016-02-29. Review status: criteria provided, single submitter. Criteria: LabCorp Variant Classification Summary - May 2015. Collection method: clinical testing. Allele origin: germline.

NM_000282.4(PCCA):c.947T>A (p.Met316Lys)

Gene: PCCA (propionyl-CoA carboxylase subunit alpha; plus strand). Cytogenetic location: 13q32.3.
Variant type: single nucleotide variant.
Coding change: c.947T>A on transcript NM_000282.4 (MANE Select); coding-DNA position 947, T replaced by A.
Protein change: p.Met316Lys; replaces methionine 316 with lysine.
Molecular consequence: missense variant. On other transcripts: initiator codon variant (3), non-coding transcript variant (5).
Genome position (GRCh38, 1-based): chr13:100,273,228, T>A. VCF-style: chr13-100273228-T-A. GRCh37 (hg19) VCF-style: chr13-100925482-T-A.
Other names: c.869T>A, p.Met290Lys (NM_001127692.3, NM_001352607.2, NM_001352608.2); c.947T>A, p.Met316Lys (NM_001178004.2, NM_001352605.2, NM_001352606.2 and 1 more transcripts); c.2T>A, p.Met1Lys (NM_001352610.2, NM_001352611.2, NM_001352612.2); short protein forms M316K, M1K, M290K.
Identifiers: ClinVar variation 495792 (VCV000495792.12), dbSNP rs137861347, ClinGen allele CA388694736.